The following is an entry in ClinVar:

ClinVar aggregate classification (germline): Uncertain significance (0 of 4 stars; one submission).

Conditions:
PKD1L1-related disorder. Also called: PKD1L1-related condition.

gnomAD v4.1: 4 of 1,614,212 alleles (0.00025%); highest among the groups gnomAD compares: Admixed American, 0.0067%; no homozygotes.

Submission:

PreventionGenetics, part of Exact Sciences
Classification: Uncertain significance for PKD1L1-related condition. Last evaluated: 2024-09-12. Review status: no assertion criteria provided. Collection method: clinical testing. Allele origin: germline.
Comment: The PKD1L1 c.8156T>A variant is predicted to result in the amino acid substitution p.Ile2719Asn. To our knowledge, this variant has not been reported in the literature. This variant is reported in 0.012% of alleles in individuals of Latino descent in gnomAD. At this time, the clinical significance of this variant is uncertain due to the absence of conclusive functional and genetic evidence.

NM_138295.5(PKD1L1):c.8156T>A (p.Ile2719Asn)

Genes: PKD1L1-AS1 (PKD1L1 antisense RNA 1; plus strand), PKD1L1 (polycystin 1 like 1, transient receptor potential channel interacting; minus strand). Cytogenetic location: 7p12.3.
Variant type: single nucleotide variant.
Coding change: c.8156T>A on transcript NM_138295.5 (MANE Select); coding-DNA position 8156, T replaced by A.
Protein change: p.Ile2719Asn; replaces isoleucine 2719 with asparagine.
Molecular consequence: missense variant.
Genome position (GRCh38, 1-based): chr7:47,800,686, A>T on the plus strand (T>A on the coding strand, the complement: PKD1L1 is on the minus strand). VCF-style: chr7-47800686-A-T. GRCh37 (hg19) VCF-style: chr7-47840284-A-T.
Other names: short protein forms I2719N.
Identifiers: ClinVar variation 3358294 (VCV003358294.1).